The following is an entry in ClinVar:

ClinVar aggregate classification (germline): Pathogenic (1 of 4 stars; one submission).

Conditions:
Hermansky-Pudlak syndrome 3 (HPS3). Identifiers: Orphanet 231512, Orphanet 79430, MedGen C3888001, MONDO:0013555, OMIM 614072.

Submission:

Myriad Genetics, Inc.
Classification: Pathogenic for Hermansky-Pudlak syndrome 3. Last evaluated: 2024-05-14. Review status: criteria provided, single submitter. Criteria: Myriad Autosomal Dominant, Autosomal Recessive and X-Linked Classification Criteria (2023). Collection method: clinical testing. Allele origin: unknown.
Comment: NM_032383.3(HPS3):c.124_125delGAinsT(E42Wfs*36) is expected to be pathogenic in the context of Hermansky-Pudlak syndrome, HPS3-related. This variant is predicted to lead to an abnormal or absent protein product due to the creation of a premature termination codon in HPS3, a gene where loss-of-function variants are known to be pathogenic. Please note: this variant was assessed in the context of healthy population screening.

NM_032383.5(HPS3):c.124_125delinsT (p.Glu42fs)

Gene: HPS3 (HPS3 biogenesis of lysosomal organelles complex 2 subunit 1; plus strand). Cytogenetic location: 3q24.
Variant type: Indel.
Coding change: c.124_125delinsT on transcript NM_032383.5 (MANE Select); coding-DNA positions 124 to 125, GA replaced by T.
Protein change: p.Glu42fs; shifts the reading frame from glutamic acid 42.
Molecular consequence: frameshift variant.
Genome position (GRCh38, 1-based): chr3:149,129,847-149,129,848, GA replaced by T. VCF-style: chr3-149129847-GA-T. GRCh37 (hg19) VCF-style: chr3-148847634-GA-T.
Other names: c.124_125delinsT, p.Glu42fs (NM_001308258.2); short protein forms E42fs.
Identifiers: ClinVar variation 5010467 (VCV005010467.1).